The following is an entry in ClinVar:

NM_000287.4(PEX6):c.2268A>T (p.Ala756=)

Gene: PEX6 (peroxisomal biogenesis factor 6; minus strand). Cytogenetic location: 6p21.1.
Variant type: single nucleotide variant.
Coding change: c.2268A>T on transcript NM_000287.4 (MANE Select); coding-DNA position 2268, A replaced by T.
Protein change: p.Ala756=; no amino-acid change (alanine 756 retained).
Molecular consequence: synonymous variant.
Genome position (GRCh38, 1-based): chr6:42,966,274, T>A on the plus strand (A>T on the coding strand, the complement: PEX6 is on the minus strand). VCF-style: chr6-42966274-T-A. GRCh37 (hg19) VCF-style: chr6-42934012-T-A.
Other names: c.2004A>T, p.Ala668= (NM_001316313.2); c.2268A>T (NM_000287.3).
Identifiers: ClinVar variation 1649209 (VCV001649209.10), dbSNP rs1769801311, ClinGen allele CA450365608.

ClinVar aggregate classification (germline): Likely benign. Review status: criteria provided, single submitter (1 of 4 stars). 2 submissions from 2 submitters: Likely benign (1). 1 of the submissions does not count toward it. Last evaluated 2023-11-27.

Conditions:
PEX6-related disorder. Also called: PEX6-related disorders; PEX6-related condition.
Peroxisome biogenesis disorder. Identifiers: Orphanet 79189, MedGen C1832200, MONDO:0019234. Disease mechanism: loss of function.

Allele frequency attached by ClinVar (database versions not stated): TOPMed below 0.00001.

Submissions (2):

Labcorp Genetics (formerly Invitae), Labcorp
Classification: Likely benign for Peroxisome biogenesis disorder. Last evaluated: 2023-11-27. Review status: criteria provided, single submitter. Criteria: Invitae Variant Classification Sherloc (09022015). Collection method: clinical testing. Allele origin: germline.

PreventionGenetics, part of Exact Sciences
Classification: Likely benign for PEX6-related condition. Last evaluated: 2021-01-28. Review status: no assertion criteria provided. Collection method: clinical testing. Allele origin: germline. Not counted in ClinVar's aggregate classification.
Comment: This variant is classified as likely benign based on ACMG/AMP sequence variant interpretation guidelines (Richards et al. 2015 PMID: 25741868, with internal and published modifications).